The following is an entry in ClinVar:

ClinVar aggregate classification (germline): Likely benign (0 of 4 stars; one submission).

Conditions:
GLDN-related disorder. Also called: GLDN-related condition.

Allele frequency attached by ClinVar (database versions not stated): 1000 Genomes Project 30x 0.00031; 1000 Genomes Project 0.00040; TOPMed 0.00145; ExAC 0.00151; gnomAD 0.00158; ESP Exome Variant Server 0.00200.
gnomAD v4.1: 3,145 of 1,614,082 alleles (0.19%); highest among the groups gnomAD compares: Non-Finnish European, 0.23%; 5 homozygotes.

Submission:

PreventionGenetics, part of Exact Sciences
Classification: Likely benign for GLDN-related condition. Last evaluated: 2022-11-01. Review status: no assertion criteria provided. Collection method: clinical testing. Allele origin: germline.
Comment: This variant is classified as likely benign based on ACMG/AMP sequence variant interpretation guidelines (Richards et al. 2015 PMID: 25741868, with internal and published modifications).

NM_181789.4(GLDN):c.848C>T (p.Thr283Ile)

Gene: GLDN (gliomedin; plus strand). Cytogenetic location: 15q21.2.
Variant type: single nucleotide variant.
Coding change: c.848C>T on transcript NM_181789.4 (MANE Select); coding-DNA position 848, C replaced by T.
Protein change: p.Thr283Ile; replaces threonine 283 with isoleucine.
Molecular consequence: missense variant.
Genome position (GRCh38, 1-based): chr15:51,400,222, C>T. VCF-style: chr15-51400222-C-T. GRCh37 (hg19) VCF-style: chr15-51692419-C-T.
Other names: c.476C>T, p.Thr159Ile (NM_001330297.2); short protein forms T159I, T283I.
Identifiers: ClinVar variation 3038959 (VCV003038959.2), dbSNP rs151045681, ClinGen allele CA7560573.